The following is an entry in ClinVar:

ClinVar aggregate classification (germline): Uncertain significance (1 of 4 stars; one submission).

Conditions:
SEMA3B-related disorder. Also called: SEMA3B-related condition.

gnomAD v4.1: 8 of 1,546,108 alleles (0.00052%); highest among the groups gnomAD compares: Non-Finnish European, 0.0007%; no homozygotes.

Submission:

PreventionGenetics, part of Exact Sciences
Classification: Uncertain significance for SEMA3B-related condition. Last evaluated: 2024-12-02. Review status: criteria provided, single submitter. Criteria: ACMG Guidelines, 2015. Collection method: clinical testing. Allele origin: germline.
Comment: The SEMA3B c.1350T>C is a noncoding alteration. To our knowledge, this variant has not been reported in the literature. This variant is reported in 0.0% of alleles in individuals of African descent in gnomAD. At this time, the clinical significance of this variant is uncertain due to the absence of conclusive functional and genetic evidence.

NM_001290060.2(SEMA3B):c.1335T>C (p.Tyr445=)

Gene: SEMA3B (semaphorin 3B; plus strand). Cytogenetic location: 3p21.31.
Variant type: single nucleotide variant.
Coding change: c.1335T>C on transcript NM_001290060.2 (MANE Select); coding-DNA position 1335, T replaced by C.
Protein change: p.Tyr445=; no amino-acid change (tyrosine 445 retained).
Molecular consequence: synonymous variant. On other transcripts: non-coding transcript variant (1).
Genome position (GRCh38, 1-based): chr3:50,274,560, T>C. VCF-style: chr3-50274560-T-C. GRCh37 (hg19) VCF-style: chr3-50311991-T-C.
Other names: c.1332T>C, p.Tyr444= (NM_001005914.3, NM_001435957.1, NM_001435958.1); c.1350T>C, p.Tyr450= (NM_001290061.1); c.306T>C, p.Tyr102= (NM_001290062.2, NM_001290063.2); c.1335T>C, p.Tyr445= (NM_001435956.1, NM_004636.4).
Identifiers: ClinVar variation 4985640 (VCV004985640.1).
Genomic context (GRCh38, chr3:50,274,560, plus strand): 5'-AGCCAATTACACCTTCACTCAAATTGCCGCGGACCGGGTTGCAGCCGCTGACGGACACTA[T>C]GACGTCCTCTTCATTGGCACAGGTCAGGGTCCCTCCACAGCGACCCCCAGGCTCCCAGCC-3'
Protein context (NP_001276989.1, residues 435-455): ADRVAAADGH[Tyr445=]DVLFIGTDVG